The following is an entry in ClinVar:

ClinVar aggregate classification (germline): Uncertain significance (1 of 4 stars; one submission).

Conditions:
Epileptic encephalopathy. Identifiers: MedGen C0543888, HP:0200134.

Submission:

Labcorp Genetics (formerly Invitae), Labcorp
Classification: Uncertain significance for Epileptic encephalopathy. Last evaluated: 2024-10-21. Review status: criteria provided, single submitter. Criteria: Invitae Variant Classification Sherloc (09022015). Collection method: clinical testing. Allele origin: germline.
Comment: This sequence change creates a premature translational stop signal (p.Leu1265Cysfs*4) in the FASN gene. It is expected to result in an absent or disrupted protein product. However, the current clinical and genetic evidence is not sufficient to establish whether loss-of-function variants in FASN cause disease. This variant is not present in population databases (gnomAD no frequency). This variant has not been reported in the literature in individuals affected with FASN-related conditions. In summary, the available evidence is currently insufficient to determine the role of this variant in disease. Therefore, it has been classified as a Variant of Uncertain Significance.

NM_004104.5(FASN):c.3793del (p.Leu1265fs)

Gene: FASN (fatty acid synthase; minus strand). Cytogenetic location: 17q25.3.
Variant type: Deletion.
Coding change: c.3793del on transcript NM_004104.5 (MANE Select); coding-DNA position 3793, one base deleted (C; older notation c.3793delC).
Protein change: p.Leu1265fs; shifts the reading frame from leucine 1265.
Molecular consequence: frameshift variant.
Genome position (GRCh38, 1-based): chr17:82,085,811, G deleted on the plus strand (C on the coding strand, the reverse complement: FASN is on the minus strand); the first of 4 consecutive G bases (chr17:82,085,811-82,085,814); deleting any one gives the same sequence. VCF-style (leftmost placement, unchanged base first): chr17-82085810-AG-A. GRCh37 (hg19) VCF-style: chr17-80043686-AG-A.
Other names: short protein forms L1265fs.
Identifiers: ClinVar variation 3723357 (VCV003723357.2).